The following is an entry in ClinVar:

ClinVar aggregate classification (germline): Pathogenic (1 of 4 stars; one submission).

Conditions:
Hereditary cancer-predisposing syndrome. Also called: Neoplastic Syndromes, Hereditary; Hereditary Cancer Syndrome; Hereditary neoplastic syndrome; Tumor predisposition. Identifiers: Orphanet 140162, MedGen C0027672, MeSH D009386, MONDO:0015356.

Submission:

Ambry Genetics
Classification: Pathogenic for Hereditary cancer-predisposing syndrome. Last evaluated: 2023-05-24. Review status: criteria provided, single submitter. Criteria: Ambry Variant Classification Scheme 2023. Collection method: clinical testing. Allele origin: germline.
Comment: The p.E336* pathogenic mutation (also known as c.1006G>T), located in coding exon 7 of the DICER1 gene, results from a G to T substitution at nucleotide position 1006. This changes the amino acid from a glutamic acid to a stop codon within coding exon 7. This alteration is expected to result in loss of function by premature protein truncation or nonsense-mediated mRNA decay. As such, this alteration is interpreted as a disease-causing mutation.

NM_177438.3(DICER1):c.1006G>T (p.Glu336Ter)

Gene: DICER1 (dicer 1, ribonuclease III; minus strand). Cytogenetic location: 14q32.13.
Variant type: single nucleotide variant.
Coding change: c.1006G>T on transcript NM_177438.3 (MANE Select); coding-DNA position 1006, G replaced by T.
Protein change: p.Glu336Ter; replaces glutamic acid 336 with a stop codon.
Molecular consequence: nonsense. On other transcripts: 5 prime UTR variant (1), non-coding transcript variant (6).
Genome position (GRCh38, 1-based): chr14:95,124,566, C>A on the plus strand (G>T on the coding strand, the complement: DICER1 is on the minus strand). VCF-style: chr14-95124566-C-A. GRCh37 (hg19) VCF-style: chr14-95590903-C-A.
Other names: c.1006G>T, p.Glu336Ter (NM_001195573.1, NM_001271282.3, NM_001291628.2 and 15 more transcripts); c.724G>T, p.Glu242Ter (NM_001395686.1); c.601G>T, p.Glu201Ter (NM_001395687.1, NM_001395688.1, NM_001395689.1 and 3 more transcripts); c.439G>T, p.Glu147Ter (NM_001395691.1); c.-563G>T (NM_001395697.1); short protein forms E336*, E147*, E201*, E242*.
Identifiers: ClinVar variation 2566193 (VCV002566193.2), dbSNP rs2140207003, ClinGen allele CA390887177.